The following is an entry in ClinVar:

ClinVar aggregate classification (germline): Pathogenic (1 of 4 stars; one submission).

Conditions:
Nephrotic syndrome, type 3 (NPHS3). Also called: NEPHROTIC SYNDROME, EARLY-ONSET, TYPE 3. Identifiers: Orphanet 656, MedGen C1853124, MONDO:0012546, OMIM 610725.

Submission:

3billion
Classification: Pathogenic for Nephrotic syndrome, type 3. Last evaluated: 2022-05-22. Review status: criteria provided, single submitter. Criteria: ACMG Guidelines, 2015. Collection method: clinical testing. Allele origin: germline. Affected: yes. Observed: 1 homozygote.
Comment: The variant is not observed in the gnomAD v2.1.1 dataset. Stop-gained (nonsense): predicted to result in a loss or disruption of normal protein function through nonsense-mediated decay (NMD) or protein truncation. Multiple pathogenic variants are reported downstream of the variant. Frameshift: predicted to result in a loss or disruption of normal protein function through nonsense-mediated decay (NMD) or protein truncation. Multiple pathogenic variants are reported downstream of the variant. Therefore, this variant is classified as pathogenic according to the recommendation of ACMG/AMP guideline.

NM_016341.4(PLCE1):c.5363dup (p.Tyr1788Ter)

Gene: PLCE1 (phospholipase C epsilon 1; plus strand). Cytogenetic location: 10q23.33.
Variant type: Duplication.
Coding change: c.5363dup on transcript NM_016341.4 (MANE Select); coding-DNA position 5363, one base duplicated (A; older notation c.5363dupA).
Protein change: p.Tyr1788Ter; replaces tyrosine 1788 with a stop codon.
Molecular consequence: nonsense.
Genome position (GRCh38, 1-based): chr10:94,298,574, A duplicated. VCF-style (leftmost placement, unchanged base first): chr10-94298573-T-TA. GRCh37 (hg19) VCF-style: chr10-96058330-T-TA.
Other names: c.4439dup, p.Tyr1480Ter (NM_001165979.2); c.5315dup, p.Tyr1772Ter (NM_001288989.2); short protein forms Y1480*, Y1772*, Y1788*.
Identifiers: ClinVar variation 1687166 (VCV001687166.1), dbSNP rs2133537931, ClinGen allele CA2573145877.